The following is an entry in ClinVar:

ClinVar aggregate classification (germline): Pathogenic (1 of 4 stars; one submission).

Conditions:
Joubert syndrome and related disorders. Identifiers: Orphanet 140874, MedGen C5679612, MONDO:0015369.

Submission:

Myriad Genetics, Inc.
Classification: Pathogenic for Joubert syndrome and related disorders. Last evaluated: 2026-07-27. Review status: criteria provided, single submitter. Criteria: Myriad Autosomal Dominant, Autosomal Recessive and X-Linked Classification Criteria (2023). Collection method: clinical testing. Allele origin: unknown.
Comment: NM_001080522.2(CC2D2A):c.250_272del23(L84Qfs*45) is a frameshift variant classified as pathogenic in the context of CC2D2A-related disorders. L84Qfs*45 has not been observed in cases with relevant disease. Relevant functional assessments of this variant are not available in the literature. L84Qfs*45 has not been observed in referenced population frequency databases. In summary, NM_001080522.2(CC2D2A):c.250_272del23(L84Qfs*45) is a frameshift variant in a gene where loss of function is a known mechanism of disease and is predicted to disrupt protein function. Please note: this variant was assessed in the context of healthy population screening.

NM_001378615.1(CC2D2A):c.250_272del (p.Leu84fs)

Genes: CC2D2A (coiled-coil and C2 domain containing 2A; plus strand), FBXL5 (F-box and leucine rich repeat protein 5; minus strand). Cytogenetic location: 4p15.32.
Variant type: Deletion.
Coding change: c.250_272del on transcript NM_001378615.1 (MANE Select); coding-DNA positions 250 to 272, 23 bases deleted (TTACCTCCAATTCCTTCAACTTC).
Protein change: p.Leu84fs; shifts the reading frame from leucine 84.
Molecular consequence: frameshift variant.
Genome position (GRCh38, 1-based): chr4:15,502,431-15,502,453, TTACCTCCAATTCCTTCAACTTC deleted; deleting any 23 consecutive bases within chr4:15,502,430-15,502,453 gives the same sequence; the c. name uses the placement nearest the transcript's 3' end. VCF-style (leftmost placement, unchanged base first): chr4-15502429-GCTTACCTCCAATTCCTTCAACTT-G. GRCh37 (hg19) VCF-style: chr4-15504052-GCTTACCTCCAATTCCTTCAACTT-G.
Other names: c.250_272del, p.Leu84fs (NM_001080522.2); c.103_125del, p.Leu35fs (NM_001378617.1); short protein forms L35fs, L84fs.
Identifiers: ClinVar variation 5004811 (VCV005004811.1).